The following is an entry in ClinVar:

NM_001308120.2(TOGARAM1):c.24G>A (p.Leu8=)

Gene: TOGARAM1 (TOG array regulator of axonemal microtubules 1; plus strand). Cytogenetic location: 14q21.2.
Variant type: single nucleotide variant.
Coding change: c.24G>A on transcript NM_001308120.2 (MANE Select); coding-DNA position 24, G replaced by A.
Protein change: p.Leu8=; no amino-acid change (leucine 8 retained).
Molecular consequence: synonymous variant. On other transcripts: non-coding transcript variant (1).
Genome position (GRCh38, 1-based): chr14:44,962,445, G>A. VCF-style: chr14-44962445-G-A. GRCh37 (hg19) VCF-style: chr14-45431648-G-A.
Other names: c.24G>A, p.Leu8= (NM_015091.4).
Identifiers: ClinVar variation 3026845 (VCV003026845.22), dbSNP rs748815421, ClinGen allele CA486118414.

ClinVar aggregate classification (germline): Likely benign (1 of 4 stars; one submission).

gnomAD v4.1: 1 of 1,574,404 alleles (0.000064%); highest among the groups gnomAD compares: Non-Finnish European, 0.000086%; no homozygotes.

Submission:

CeGaT Center for Human Genetics Tuebingen
Classification: Likely benign. Last evaluated: 2023-12-01. Review status: criteria provided, single submitter. Criteria: CeGaT Center For Human Genetics Tuebingen Variant Classification Criteria Version 2. Collection method: clinical testing. Allele origin: germline. Affected: yes. Observed: 1 variant allele.
Comment: TOGARAM1: PM2:Supporting, BP4, BP7